The following is an entry in ClinVar:

NM_017888.3(ACSM5):c.165C>T (p.Phe55=)

Gene: ACSM5 (acyl-CoA synthetase medium chain family member 5; plus strand). Cytogenetic location: 16p12.3.
Variant type: single nucleotide variant.
Coding change: c.165C>T on transcript NM_017888.3 (MANE Select); coding-DNA position 165, C replaced by T.
Protein change: p.Phe55=; no amino-acid change (phenylalanine 55 retained).
Molecular consequence: synonymous variant.
Genome position (GRCh38, 1-based): chr16:20,411,649, C>T. VCF-style: chr16-20411649-C-T. GRCh37 (hg19) VCF-style: chr16-20422971-C-T.
Other names: c.165C>T, p.Phe55= (NM_001324371.2, NM_001324372.2, NM_001324373.2).
Identifiers: ClinVar variation 2646280 (VCV002646280.24), dbSNP rs370540779, ClinGen allele CA7940243.

ClinVar aggregate classification (germline): Likely benign (1 of 4 stars; one submission).

Allele frequency attached by ClinVar (database versions not stated): TOPMed 0.00011; gnomAD exomes 0.00014; ESP Exome Variant Server 0.00015; 1000 Genomes Project 30x 0.00016; 1000 Genomes Project 0.00020; ExAC 0.00021; gnomAD 0.00023.
gnomAD v4.1: 255 of 1,614,120 alleles (0.016%); highest among the groups gnomAD compares: Middle Eastern, 0.099%; 3 homozygotes.

Submission:

CeGaT Center for Human Genetics Tuebingen
Classification: Likely benign. Last evaluated: 2022-06-01. Review status: criteria provided, single submitter. Criteria: CeGaT Center For Human Genetics Tuebingen Variant Classification Criteria Version 2. Collection method: clinical testing. Allele origin: germline. Affected: yes. Observed: 1 variant allele.
Comment: ACSM5: BP4, BP7